The following is an entry in ClinVar:

ClinVar aggregate classification (germline): Likely benign. Review status: criteria provided, single submitter (1 of 4 stars). 2 submissions from 2 submitters: Likely benign (1). 1 of the submissions does not count toward it. Last evaluated 2025-06-12.

Conditions:
EMP2-related disorder. Also called: EMP2-related condition.

Allele frequency attached by ClinVar (database versions not stated): 1000 Genomes Project 30x 0.00016; 1000 Genomes Project 0.00020; ESP Exome Variant Server 0.00023; TOPMed 0.00038.
gnomAD v4.1: 95 of 1,601,266 alleles (0.0059%); highest among the groups gnomAD compares: African/African-American, 0.088%; no homozygotes.

Submissions (2):

Labcorp Genetics (formerly Invitae), Labcorp
Classification: Likely benign. Last evaluated: 2025-06-12. Review status: criteria provided, single submitter. Criteria: Invitae Variant Classification Sherloc (09022015). Collection method: clinical testing. Allele origin: germline.

PreventionGenetics, part of Exact Sciences
Classification: Likely benign for EMP2-related condition. Last evaluated: 2024-09-20. Review status: no assertion criteria provided. Collection method: clinical testing. Allele origin: germline. Not counted in ClinVar's aggregate classification.
Comment: This variant is classified as likely benign based on ACMG/AMP sequence variant interpretation guidelines (Richards et al. 2015 PMID: 25741868, with internal and published modifications).

NM_001424.6(EMP2):c.468C>T (p.Ser156=)

Gene: EMP2 (epithelial membrane protein 2; minus strand). Cytogenetic location: 16p13.13.
Variant type: single nucleotide variant.
Coding change: c.468C>T on transcript NM_001424.6 (MANE Select); coding-DNA position 468, C replaced by T.
Protein change: p.Ser156=; no amino-acid change (serine 156 retained).
Molecular consequence: synonymous variant.
Genome position (GRCh38, 1-based): chr16:10,532,941, G>A on the plus strand (C>T on the coding strand, the complement: EMP2 is on the minus strand). VCF-style: chr16-10532941-G-A. GRCh37 (hg19) VCF-style: chr16-10626798-G-A.
Other names: c.468C>T (NM_001424.5).
Identifiers: ClinVar variation 1581264 (VCV001581264.9), dbSNP rs141501308, ClinGen allele CA7897719.
Genomic context (GRCh38, chr16:10,532,941, plus strand): 5'-CAGAAGCAACCCAGCTCCGGAACTCTATTTGCGCTTCCTCAGTATCAGGTACATCATGCC[G>A]CTGATGAAGGTGCAGGCGAAGGCCACCCACGCCAGGATGTAGGAGTAGCCGTAGCTGCCT-3'
Protein context (NP_001415.1, residues 146-166): AWVAFACTFI[Ser156=]GMMYLILRKR